The following is an entry in ClinVar:

ClinVar aggregate classification (germline): Pathogenic (1 of 4 stars; one submission).

Conditions:
Inborn genetic diseases. Identifiers: MedGen C0950123, MeSH D030342.

Submission:

Ambry Genetics
Classification: Pathogenic for Inborn genetic diseases. Last evaluated: 2018-09-15. Review status: criteria provided, single submitter. Criteria: Ambry Variant Classification Scheme 2023. Collection method: clinical testing. Allele origin: germline.
Comment: The c.1142_1143delCT pathogenic mutation, located in coding exon 13 of the TCF4 gene, results from a deletion of two nucleotides at nucleotide positions 1142 to 1143, causing a translational frameshift with a predicted alternate stop codon (p.S381Ffs*6). This alteration is expected to result in loss of function by premature protein truncation or nonsense-mediated mRNA decay. As such, this alteration is interpreted as a disease-causing mutation.

NM_001083962.2(TCF4):c.1142_1143del (p.Ser381fs)

Gene: TCF4 (transcription factor 4; minus strand). Cytogenetic location: 18q21.2.
Variant type: Microsatellite.
Coding change: c.1142_1143del on transcript NM_001083962.2 (MANE Select); coding-DNA positions 1142 to 1143, 2 bases deleted (CT; older notation c.1142_1143delCT).
Protein change: p.Ser381fs; shifts the reading frame from serine 381.
Molecular consequence: frameshift variant.
Genome position (GRCh38, 1-based): chr18:55,257,318-55,257,319, AG deleted on the plus strand (CT on the coding strand, the reverse complement: TCF4 is on the minus strand); deleting any 2 consecutive bases within chr18:55,257,318-55,257,321 gives the same sequence; the c. name uses the placement nearest the transcript's 3' end. VCF-style (leftmost placement, unchanged base first): chr18-55257317-AAG-A. GRCh37 (hg19) VCF-style: chr18-52924548-AAG-A.
Other names: c.1448_1449del, p.Ser483fs (NM_001243226.3); c.1070_1071del, p.Ser357fs (NM_001243227.2, NM_001306207.1, NM_001348217.1 and 5 more transcripts); c.1160_1161del, p.Ser387fs (NM_001243228.2); c.1133_1134del, p.Ser378fs (NM_001243230.2); c.1016_1017del, p.Ser339fs (NM_001243231.2, NM_001348211.2); c.929_930del, p.Ser310fs (NM_001243232.1, NM_001306208.1); c.752_753del, p.Ser251fs (NM_001243233.2, NM_001330605.3, NM_001348212.2 and 1 more transcripts); c.662_663del, p.Ser221fs (NM_001243234.2, NM_001243235.2, NM_001243236.2 and 1 more transcripts); and 6 more; short protein forms S165fs, S220fs, S251fs, S339fs, S358fs, S378fs, S387fs, S380fs.
Identifiers: ClinVar variation 1731562 (VCV001731562.2), dbSNP rs2512178695, ClinGen allele CA2580612576.
Genomic context (GRCh38, chr18:55,257,317, plus strand): 5'-AACAAGAAAGAACATGACCTGAAAATGGGTGGGACAGAGATTAGCAAATGAGACATACCA[AAG>A]AGTGTAAGGGTCCTTCATAATTAGGAGACGATGAGGCCTGTCCTCCATTTCTAGACCAAA-3'